The following is an entry in ClinVar:

ClinVar aggregate classification (germline): Pathogenic (1 of 4 stars; one submission).

Submission:

Labcorp Genetics (formerly Invitae), Labcorp
Classification: Pathogenic. Last evaluated: 2024-05-19. Review status: criteria provided, single submitter. Criteria: Invitae Variant Classification Sherloc (09022015). Collection method: clinical testing. Allele origin: germline.
Comment: This sequence change creates a premature translational stop signal (p.Val723Glyfs*27) in the SLC24A1 gene. It is expected to result in an absent or disrupted protein product. Loss-of-function variants in SLC24A1 are known to be pathogenic (PMID: 20850105, 26822852). This variant is present in population databases (no rsID available, gnomAD 0.007%). This variant has not been reported in the literature in individuals affected with SLC24A1-related conditions. Algorithms developed to predict the effect of sequence changes on RNA splicing suggest that this variant may disrupt the consensus splice site. For these reasons, this variant has been classified as Pathogenic.

Literature cited by the submitters: PubMed 20850105; PubMed 26822852.

NM_004727.3(SLC24A1):c.2167dup (p.Val723fs)

Gene: SLC24A1 (solute carrier family 24 member 1; plus strand). Cytogenetic location: 15q22.31.
Variant type: Duplication.
Coding change: c.2167dup on transcript NM_004727.3 (MANE Select); coding-DNA position 2167, one base duplicated (G; older notation c.2167dupG).
Protein change: p.Val723fs; shifts the reading frame from valine 723.
Molecular consequence: frameshift variant. On other transcripts: intron variant (1).
Genome position (GRCh38, 1-based): chr15:65,645,638, G duplicated; the last of 2 consecutive G bases (chr15:65,645,637-65,645,638); duplicating either gives the same sequence. VCF-style (leftmost placement, unchanged base first): chr15-65645636-C-CG. GRCh37 (hg19) VCF-style: chr15-65937974-C-CG.
Other names: c.148dup, p.Val50fs (NM_001254740.2); c.2167dup, p.Val723fs (NM_001301031.1); c.2113dup, p.Val705fs (NM_001301032.1, NM_001301033.2); c.1891-4744dup (NM_001411142.1); short protein forms V723fs, V50fs, V705fs.
Identifiers: ClinVar variation 3700936 (VCV003700936.2).
Genomic context (GRCh38, chr15:65,645,636, plus strand): 5'-CACTCTTCTGATGTAACCCATGTTTATCCTTTAAAGAGGAGGAGCCAGCCAAGCTCCCTG[C>CG]GGTCACGGTCACACCAGCCCCTGTTCCAGACATCAAGGGAGATCAGAAGGAGAATCCAGG-3'